The following is an entry in ClinVar:

ClinVar aggregate classification (germline): Uncertain significance (1 of 4 stars; one submission).

Allele frequency attached by ClinVar (database versions not stated): gnomAD 0.00001; TOPMed 0.00003.
gnomAD v4.1: 2 of 1,611,702 alleles (0.00012%); highest among the groups gnomAD compares: Admixed American, 0.0017%; no homozygotes.

Submission:

GeneDx
Classification: Uncertain significance. Last evaluated: 2023-02-28. Review status: criteria provided, single submitter. Criteria: GeneDx Variant Classification Process June 2021. Collection method: clinical testing. Allele origin: germline. Affected: yes.
Comment: Not observed at significant frequency in large population cohorts (gnomAD); In silico analysis supports a deleterious effect on splicing; Has not been previously published as pathogenic or benign to our knowledge

NM_014915.3(ANKRD26):c.1815-13G>A

Gene: ANKRD26 (ankyrin repeat domain containing 26; minus strand). Cytogenetic location: 10p12.1.
Variant type: single nucleotide variant.
Coding change: c.1815-13G>A on transcript NM_014915.3 (MANE Select); 13 bases into the intron before coding-DNA position 1815, G replaced by A.
Molecular consequence: intron variant.
Genome position (GRCh38, 1-based): chr10:27,046,536, C>T on the plus strand (G>A on the coding strand, the complement: ANKRD26 is on the minus strand). VCF-style: chr10-27046536-C-T. GRCh37 (hg19) VCF-style: chr10-27335465-C-T.
Other names: c.1815-16G>A (NM_001256053.2).
Identifiers: ClinVar variation 2578161 (VCV002578161.1), dbSNP rs892581487, ClinGen allele CA204411232.